The following is an entry in ClinVar:

NM_000123.4(ERCC5):c.3159A>G (p.Gly1053=)

Genes: BIVM-ERCC5 (BIVM-ERCC5 readthrough; plus strand), ERCC5 (ERCC excision repair 5, endonuclease; plus strand). Cytogenetic location: 13q33.1.
Variant type: single nucleotide variant.
Coding change: c.3159A>G on transcript NM_000123.4 (MANE Select); coding-DNA position 3159, A replaced by G.
Protein change: p.Gly1053=; no amino-acid change (glycine 1053 retained).
Molecular consequence: synonymous variant.
Genome position (GRCh38, 1-based): chr13:102,875,501, A>G. VCF-style: chr13-102875501-A-G. GRCh37 (hg19) VCF-style: chr13-103527851-A-G.
Other names: c.4521A>G, p.Gly1507= (NM_001204425.2).
Identifiers: ClinVar variation 2643925 (VCV002643925.24), dbSNP rs1883187083, ClinGen allele CA484983336.

ClinVar aggregate classification (germline): Likely benign (1 of 4 stars; one submission).

Allele frequency attached by ClinVar (database versions not stated): TOPMed below 0.00001; gnomAD exomes below 0.00001.
gnomAD v4.1: 2 of 1,613,456 alleles (0.00012%); highest among the groups gnomAD compares: Non-Finnish European, 0.00017%; no homozygotes.

Submission:

CeGaT Center for Human Genetics Tuebingen
Classification: Likely benign. Last evaluated: 2023-02-01. Review status: criteria provided, single submitter. Criteria: CeGaT Center For Human Genetics Tuebingen Variant Classification Criteria Version 2. Collection method: clinical testing. Allele origin: germline. Affected: yes. Observed: 1 variant allele.
Comment: ERCC5: PM2:Supporting, BP4, BP7